The following is an entry in ClinVar:

NM_000080.4(CHRNE):c.1033-6C>T

Genes: CHRNE (cholinergic receptor nicotinic epsilon subunit; minus strand), LOC130060041 (ATAC-STARR-seq lymphoblastoid silent region 8050; plus strand). Cytogenetic location: 17p13.2.
Variant type: single nucleotide variant.
Coding change: c.1033-6C>T on transcript NM_000080.4 (MANE Select); 6 bases into the intron before coding-DNA position 1033, C replaced by T.
Molecular consequence: intron variant.
Genome position (GRCh38, 1-based): chr17:4,899,390, G>A on the plus strand (C>T on the coding strand, the complement: CHRNE is on the minus strand). VCF-style: chr17-4899390-G-A. GRCh37 (hg19) VCF-style: chr17-4802685-G-A.
Other names: p.?; c.1033-6C>T (LRG_1254t1).
Identifiers: ClinVar variation 128761 (VCV000128761.25), dbSNP rs2075763, ClinGen allele CA152406.

ClinVar aggregate classification (germline): Benign/Likely benign. Review status: criteria provided, multiple submitters, no conflicts (2 of 4 stars). 12 submissions from 10 submitters: Benign (9); Likely benign (1). 2 of the submissions do not count toward it. Last evaluated 2026-02-04.

Conditions:
Congenital myasthenic syndrome (CMS). Also called: Congenital Myasthenic Syndromes. Identifiers: Orphanet 590, MedGen C0751882, MeSH D020294, MONDO:0018940.
Congenital myasthenic syndrome 4C (CMS4C). Also called: Myasthenic syndrome, congenital, associated with acetylcholine receptor deficiency. Identifiers: Orphanet 590, MedGen C1837091, MONDO:0012157, OMIM 608931.
Congenital myasthenic syndrome 4A. Also called: MYASTHENIC SYNDROME, CONGENITAL, 4A, SLOW-CHANNEL, AUTOSOMAL RECESSIVE; Myasthenic syndrome, congenital, 4a, slow-channel; CONGENITAL MYASTHENIC SYNDROME TYPE Ia1. Identifiers: Orphanet 590, MedGen C4225413, MONDO:0011600, OMIM 605809.
Congenital myasthenic syndrome 4B. Also called: Myasthenic syndrome, congenital, 4b, fast-channel. Identifiers: Orphanet 590, MedGen C4225369, MONDO:0014586, OMIM 616324.

Allele frequency attached by ClinVar (database versions not stated): ESP Exome Variant Server 0.04756; gnomAD 0.06582 and 0.06916; gnomAD exomes 0.06819 and 0.09578; TOPMed 0.07222; 1000 Genomes Project 30x 0.10228; 1000 Genomes Project 0.10623; ExAC 0.12049.
gnomAD v4.1: 105,325 of 1,533,868 alleles (6.9%); highest among the groups gnomAD compares: East Asian, 21%; 4,444 homozygotes.

Submissions (12):

Labcorp Genetics (formerly Invitae), Labcorp
Classification: Benign for Congenital myasthenic syndrome 4A. Last evaluated: 2026-02-04. Review status: criteria provided, single submitter. Criteria: Invitae Variant Classification Sherloc (09022015). Collection method: clinical testing. Allele origin: germline.

Blueprint Genetics
Classification: Likely benign. Last evaluated: 2024-11-27. Review status: criteria provided, single submitter. Criteria: ACMG Guidelines, 2015. Collection method: clinical testing. Allele origin: germline.

Genome-Nilou Lab
Classification: Benign for Congenital myasthenic syndrome 4A. Last evaluated: 2021-07-10. Review status: criteria provided, single submitter. Criteria: ACMG Guidelines, 2015. Collection method: clinical testing. Allele origin: germline. Affected: no.

Genome-Nilou Lab
Classification: Benign for Congenital myasthenic syndrome 4B. Last evaluated: 2021-07-10. Review status: criteria provided, single submitter. Criteria: ACMG Guidelines, 2015. Collection method: clinical testing. Allele origin: germline. Affected: no.

Genome-Nilou Lab
Classification: Benign for Congenital myasthenic syndrome 4C. Last evaluated: 2021-07-10. Review status: criteria provided, single submitter. Criteria: ACMG Guidelines, 2015. Collection method: clinical testing. Allele origin: germline. Affected: no.

Illumina Laboratory Services, Illumina
Classification: Benign for Congenital myasthenic syndrome. Last evaluated: 2018-01-12. Review status: criteria provided, single submitter. Criteria: ICSL Variant Classification Criteria 13 December 2019. Collection method: clinical testing. Allele origin: germline.
Comment: This variant was observed in the ICSL laboratory as part of a predisposition screen in an ostensibly healthy population. It had not been previously curated by ICSL or reported in the Human Gene Mutation Database (HGMD: prior to June 1st, 2018), and was therefore a candidate for classification through an automated scoring system. Utilizing variant allele frequency, disease prevalence and penetrance estimates, and inheritance mode, an automated score was calculated to assess if this variant is too frequent to cause the disease. Based on the score and internal cut-off values, a variant classified as benign is not then subjected to further curation. The score for this variant resulted in a classification of benign for this disease.

Mayo Clinic Laboratories, Mayo Clinic
Classification: Benign. Last evaluated: 2017-11-30. Review status: criteria provided, single submitter. Criteria: ACMG Guidelines, 2015. Collection method: clinical testing. Allele origin: germline. Observed: 60 variant alleles.

GeneDx
Classification: Benign. Last evaluated: 2016-07-08. Review status: criteria provided, single submitter. Criteria: GeneDx Variant Classification (06012015). Collection method: clinical testing. Allele origin: germline. Affected: yes.
Comment: This variant is considered likely benign or benign based on one or more of the following criteria: it is a conservative change, it occurs at a poorly conserved position in the protein, it is predicted to be benign by multiple in silico algorithms, and/or has population frequency not consistent with disease.

Breakthrough Genomics
Classification: Benign. Review status: criteria provided, single submitter. Criteria: ACMG Guidelines, 2015. Collection method: not provided. Allele origin: germline. Inheritance: Autosomal recessive inheritance. Affected: yes.

PreventionGenetics, part of Exact Sciences
Classification: Benign. Review status: criteria provided, single submitter. Criteria: ACMG Guidelines, 2015. Collection method: clinical testing. Allele origin: germline.

Natera, Inc.
Classification: Benign for Congenital myasthenic syndrome. Last evaluated: 2020-09-16. Review status: no assertion criteria provided. Collection method: clinical testing. Allele origin: germline. Not counted in ClinVar's aggregate classification.

Genetic Services Laboratory, University of Chicago
Classification: Likely benign for AllHighlyPenetrant. Review status: no assertion criteria provided. Collection method: clinical testing. Allele origin: germline. Not counted in ClinVar's aggregate classification.
Comment: Likely benign based on allele frequency in 1000 Genomes Project or ESP global frequency and its presence in a patient with a rare or unrelated disease phenotype. NOT Sanger confirmed.